The following is an entry in ClinVar:

NM_181776.3(SLC36A2):c.1379A>C (p.Tyr460Ser)

Gene: SLC36A2 (solute carrier family 36 member 2; minus strand). Cytogenetic location: 5q33.1.
Variant type: single nucleotide variant.
Coding change: c.1379A>C on transcript NM_181776.3 (MANE Select); coding-DNA position 1379, A replaced by C.
Protein change: p.Tyr460Ser; replaces tyrosine 460 with serine.
Molecular consequence: missense variant.
Genome position (GRCh38, 1-based): chr5:151,316,890, T>G on the plus strand (A>C on the coding strand, the complement: SLC36A2 is on the minus strand). VCF-style: chr5-151316890-T-G. GRCh37 (hg19) VCF-style: chr5-150696451-T-G.
Other names: short protein forms Y460S.
Identifiers: ClinVar variation 2001938 (VCV002001938.4), dbSNP rs745630698, ClinGen allele CA3518549.

ClinVar aggregate classification (germline): Uncertain significance (1 of 4 stars; one submission).

Allele frequency attached by ClinVar (database versions not stated): TOPMed below 0.00001; gnomAD 0.00001; gnomAD exomes 0.00001; ExAC 0.00002.
gnomAD v4.1: 10 of 1,613,798 alleles (0.00062%); highest among the groups gnomAD compares: Non-Finnish European, 0.00068%; no homozygotes.

Submission:

Labcorp Genetics (formerly Invitae), Labcorp
Classification: Uncertain significance. Last evaluated: 2022-06-02. Review status: criteria provided, single submitter. Criteria: Invitae Variant Classification Sherloc (09022015). Collection method: clinical testing. Allele origin: germline.
Comment: In summary, the available evidence is currently insufficient to determine the role of this variant in disease. Therefore, it has been classified as a Variant of Uncertain Significance. Algorithms developed to predict the effect of missense changes on protein structure and function are either unavailable or do not agree on the potential impact of this missense change (SIFT: "Deleterious"; PolyPhen-2: "Probably Damaging"; Align-GVGD: "Class C0"). This variant has not been reported in the literature in individuals affected with SLC36A2-related conditions. This variant is present in population databases (rs745630698, gnomAD 0.002%). This sequence change replaces tyrosine, which is neutral and polar, with serine, which is neutral and polar, at codon 460 of the SLC36A2 protein (p.Tyr460Ser).